The following is an entry in ClinVar:

NM_003052.5(SLC34A1):c.272_292del (p.Val91_Ala97del)

Gene: SLC34A1 (solute carrier family 34 member 1; plus strand). Cytogenetic location: 5q35.3.
Variant type: Deletion.
Coding change: c.272_292del on transcript NM_003052.5 (MANE Select); coding-DNA positions 272 to 292, 21 bases deleted (TCCCCAAGCTGCGCCAGGCTG).
Protein change: p.Val91_Ala97del.
Molecular consequence: inframe deletion.
Genome position (GRCh38, 1-based): chr5:177,386,233-177,386,253, TCCCCAAGCTGCGCCAGGCTG deleted; deleting any 21 consecutive bases within chr5:177,386,232-177,386,253 gives the same sequence; the c. name uses the placement nearest the transcript's 3' end. VCF-style (leftmost placement, unchanged base first): chr5-177386231-GGTCCCCAAGCTGCGCCAGGCT-G. GRCh37 (hg19) VCF-style: chr5-176813232-GGTCCCCAAGCTGCGCCAGGCT-G.
Other names: p.Val91_Ala97del; c.272_292del, p.Val91_Ala97del (NM_001167579.2); c.272_292delTCCCCAAGCTGCGCCAGGCTG (NM_003052.4); c.272_292del21 (NM_003052.4).
Identifiers: ClinVar variation 234931 (VCV000234931.54), dbSNP rs876661296, ClinGen allele CA3580329.
Genomic context (GRCh38, chr5:177,386,231, plus strand): 5'-AGTCCCTGCCCTGGCCTCTGCCCACTATGCTCATGGCTTCCCCCATCCAGAGTCCAGGCT[GGTCCCCAAGCTGCGCCAGGCT>G]GGCGCCATGCTGCTCAAGGTGCCACTGATGCTCACCTTCCTCTACCTCTTCGTCTGCTCC-3'

ClinVar aggregate classification (germline): Conflicting classifications of pathogenicity. Review status: criteria provided, conflicting classifications (1 of 4 stars). 14 submissions from 14 submitters: Likely pathogenic (2); Uncertain significance (3); Benign (3); Likely benign (2). 4 of the submissions do not count toward it. Last evaluated 2026-09-01.

Conditions:
Fetal anomalies with a likely genetic cause.
Hypercalcemia, infantile, 2 (HCINF2). Identifiers: Orphanet 300547, MedGen C4310473, MONDO:0014851, OMIM 616963.
Fanconi renotubular syndrome 2 (FRTS2). Identifiers: MedGen C3150652, MONDO:0013247, OMIM 613388.
Hypophosphatemic nephrolithiasis/osteoporosis 1. Identifiers: Orphanet 244305, MedGen C2676786, MONDO:0012850, OMIM 612286.

Submissions (14):

CeGaT Center for Human Genetics Tuebingen
Classification: Likely benign. Last evaluated: 2026-09-01. Review status: criteria provided, single submitter. Criteria: CeGaT Center For Human Genetics Tuebingen Variant Classification Criteria Version 2. Collection method: clinical testing. Allele origin: germline. Affected: yes. Observed: 31 variant alleles.
Comment: SLC34A1: PM4, BS1, BS2

Genetics Laboratory, Great Ormond Street Hospital NHS Foundation Trust, North Thames Genomic Laboratory Hub
Classification: Likely pathogenic for Fetal anomalies with a likely genetic cause. Last evaluated: 2026-06-11. Review status: criteria provided, single submitter. Criteria: ACGS Best Practice Guidelines for Variant Classification in Rare Disease 2024 v1.2. Collection method: clinical testing. Allele origin: germline. Affected: yes.
Comment: PM4_moderate, PS3_supporting, PM3_strong

Labcorp Genetics (formerly Invitae), Labcorp
Classification: Benign. Last evaluated: 2026-02-04. Review status: criteria provided, single submitter. Criteria: Invitae Variant Classification Sherloc (09022015). Collection method: clinical testing. Allele origin: germline.

Rare Kidney Stone Consortium and the Mayo Clinic Hyperoxaluria Center, Mayo Clinic
Classification: Uncertain significance for Fanconi renotubular syndrome 2; Hypercalcemia, infantile, 2; Hypophosphatemic nephrolithiasis/osteoporosis 1. Last evaluated: 2025-05-01. Review status: criteria provided, single submitter. Criteria: ACMG Guidelines, 2015. Collection method: research. Allele origin: germline. Observed: 3 variant alleles.
Comment: ACMG: PS3, BS1

3 x heterozygotes

Mayo Clinic Laboratories, Mayo Clinic
Classification: Uncertain significance. Last evaluated: 2024-12-11. Review status: criteria provided, single submitter. Criteria: ACMG Guidelines, 2015. Collection method: clinical testing. Allele origin: germline. Observed: 6 variant alleles.
Comment: BS1, BS2, BP5, PM3, PM4, PS3_supporting, PS4_moderate

Blueprint Genetics
Classification: Uncertain significance. Last evaluated: 2024-11-26. Review status: criteria provided, single submitter. Criteria: ACMG Guidelines, 2015. Collection method: clinical testing. Allele origin: germline.

Laboratoire de Génétique Moléculaire, CHU Bordeaux
Classification: Likely pathogenic for Hypercalcemia, infantile, 2. Last evaluated: 2024-01-02. Review status: criteria provided, single submitter. Criteria: ACMG Guidelines, 2015. Collection method: clinical testing. Allele origin: germline. Affected: yes.

Department of Pathology and Laboratory Medicine, Sinai Health System
Classification: Benign for Hypercalcemia, infantile, 2. Last evaluated: 2023-08-31. Review status: criteria provided, single submitter. Criteria: ACMG Guidelines, 2015. Collection method: research. Allele origin: germline.

Fulgent Genetics
Classification: Likely benign for Hypophosphatemic nephrolithiasis/osteoporosis 1; Fanconi renotubular syndrome 2; Hypercalcemia, infantile, 2. Last evaluated: 2021-10-27. Review status: criteria provided, single submitter. Criteria: ACMG Guidelines, 2015. Collection method: clinical testing. Allele origin: unknown.

GeneDx
Classification: Benign. Last evaluated: 2019-02-01. Review status: criteria provided, single submitter. Criteria: GeneDx Variant Classification Process June 2021. Collection method: clinical testing. Allele origin: germline. Affected: yes.
Comment: This variant is associated with the following publications: (PMID: 26047794, 29959532, 25296721, 16688119, 27378183, 28470390)

Molecular Genetics Laboratory, Biobizkaia Health Research Institute
Classification: Likely pathogenic for Hypercalcemia, infantile, 2. Last evaluated: 2024-03-08. Review status: no assertion criteria provided. Collection method: clinical testing. Allele origin: maternal. Affected: yes. Not counted in ClinVar's aggregate classification.

MK Azim Lab, Mohammad Ali Jinnah University
Classification: Uncertain significance for Hypercalcemia, infantile, 2. Last evaluated: 2021-01-31. Review status: no assertion criteria provided. Collection method: clinical testing. Allele origin: maternal. Inheritance: Autosomal dominant inheritance. Affected: yes. Observed: 1 variant allele, 1 heterozygote. Not counted in ClinVar's aggregate classification.

Reproductive Health Research and Development, BGI Genomics
Classification: Likely pathogenic for Hypercalcemia, infantile, 2. Last evaluated: 2020-01-06. Review status: no assertion criteria provided. Collection method: curation. Allele origin: germline. Not counted in ClinVar's aggregate classification.
Comment: NM_003052.4:c.272_292del in the SLC34A1 gene has an allele frequency of 0.025 in European (non-Finnish) subpopulation in the gnomAD database, including 41 homozygous occurrences. However, considering the prevalence of hypercalcemia in the general population is approximately 1% to 2% (NCBI Bookshelf, Hypercalcemia), and it is not lethal, we decided not to take the allele frequency as a strong benign evidence. Functional analyses confirmed the impaired trafficking of NaPi-IIa-91del7 in HEK293 cells while phosphate uptake in the Xenopus oocyte system was largely preserved (PMID: 26047794). We interpret it as Pathogenic/Likely pathogenic. ACMG/AMP criteria applied: PS3, PM3, PM4.

OMIM
Classification: Pathogenic for HYPERCALCEMIA, INFANTILE, 2. Last evaluated: 2016-10-06. Review status: no assertion criteria provided. Collection method: literature only. Allele origin: germline. Not counted in ClinVar's aggregate classification.

Literature cited by the submitters: PubMed 39256228 (cited by Rare Kidney Stone Consortium and the Mayo Clinic Hyperoxaluria Center, Mayo Clinic); PubMed 38586466 (cited by Rare Kidney Stone Consortium and the Mayo Clinic Hyperoxaluria Center, Mayo Clinic and Mayo Clinic Laboratories, Mayo Clinic); PubMed 37432176 (cited by Rare Kidney Stone Consortium and the Mayo Clinic Hyperoxaluria Center, Mayo Clinic and Mayo Clinic Laboratories, Mayo Clinic); PubMed 34902613 (cited by Rare Kidney Stone Consortium and the Mayo Clinic Hyperoxaluria Center, Mayo Clinic); PubMed 35414099 (cited by Rare Kidney Stone Consortium and the Mayo Clinic Hyperoxaluria Center, Mayo Clinic); PubMed 34426522 (cited by Rare Kidney Stone Consortium and the Mayo Clinic Hyperoxaluria Center, Mayo Clinic); PubMed 33536578 (cited by Rare Kidney Stone Consortium and the Mayo Clinic Hyperoxaluria Center, Mayo Clinic and Mayo Clinic Laboratories, Mayo Clinic); PubMed 34805638 (cited by Rare Kidney Stone Consortium and the Mayo Clinic Hyperoxaluria Center, Mayo Clinic and Mayo Clinic Laboratories, Mayo Clinic); PubMed 33226606 (cited by Rare Kidney Stone Consortium and the Mayo Clinic Hyperoxaluria Center, Mayo Clinic and Mayo Clinic Laboratories, Mayo Clinic); PubMed 33099630 (cited by Rare Kidney Stone Consortium and the Mayo Clinic Hyperoxaluria Center, Mayo Clinic and Mayo Clinic Laboratories, Mayo Clinic); PubMed 30476936 (cited by Rare Kidney Stone Consortium and the Mayo Clinic Hyperoxaluria Center, Mayo Clinic); PubMed 31672324 (cited by Rare Kidney Stone Consortium and the Mayo Clinic Hyperoxaluria Center, Mayo Clinic and Mayo Clinic Laboratories, Mayo Clinic); PubMed 29959532 (cited by Rare Kidney Stone Consortium and the Mayo Clinic Hyperoxaluria Center, Mayo Clinic and Mayo Clinic Laboratories, Mayo Clinic); PubMed 29924459 (cited by Rare Kidney Stone Consortium and the Mayo Clinic Hyperoxaluria Center, Mayo Clinic and Mayo Clinic Laboratories, Mayo Clinic); PubMed 26047794 (cited by 3 submitters); PubMed 25296721 (cited by Rare Kidney Stone Consortium and the Mayo Clinic Hyperoxaluria Center, Mayo Clinic and Mayo Clinic Laboratories, Mayo Clinic); PubMed 21597970 (cited by Rare Kidney Stone Consortium and the Mayo Clinic Hyperoxaluria Center, Mayo Clinic and Mayo Clinic Laboratories, Mayo Clinic); PubMed 16688119 (cited by Rare Kidney Stone Consortium and the Mayo Clinic Hyperoxaluria Center, Mayo Clinic and Mayo Clinic Laboratories, Mayo Clinic); PubMed 36596813 (cited by Mayo Clinic Laboratories, Mayo Clinic); PubMed 36865011 (cited by Mayo Clinic Laboratories, Mayo Clinic); PubMed 38753084 (cited by Mayo Clinic Laboratories, Mayo Clinic).